The following is an entry in ClinVar:

NM_001031689.3(PLAA):c.184A>G (p.Ser62Gly)

Gene: PLAA (phospholipase A2 activating protein; minus strand). Cytogenetic location: 9p21.2.
Variant type: single nucleotide variant.
Coding change: c.184A>G on transcript NM_001031689.3 (MANE Select); coding-DNA position 184, A replaced by G.
Protein change: p.Ser62Gly; replaces serine 62 with glycine.
Molecular consequence: missense variant.
Genome position (GRCh38, 1-based): chr9:26,935,172, T>C on the plus strand (A>G on the coding strand, the complement: PLAA is on the minus strand). VCF-style: chr9-26935172-T-C. GRCh37 (hg19) VCF-style: chr9-26935170-T-C.
Other names: c.184A>G, p.Ser62Gly (NM_001321546.2); short protein forms S62G.
Identifiers: ClinVar variation 1373734 (VCV001373734.8), dbSNP rs780024541, ClinGen allele CA5014704.

ClinVar aggregate classification (germline): Uncertain significance (1 of 4 stars; one submission).

Allele frequency attached by ClinVar (database versions not stated): gnomAD exomes below 0.00001; ExAC 0.00001; gnomAD 0.00001.
gnomAD v4.1: 6 of 1,594,480 alleles (0.00038%); highest among the groups gnomAD compares: South Asian, 0.0035%; no homozygotes.

Submission:

Labcorp Genetics (formerly Invitae), Labcorp
Classification: Uncertain significance. Last evaluated: 2022-03-29. Review status: criteria provided, single submitter. Criteria: Invitae Variant Classification Sherloc (09022015). Collection method: clinical testing. Allele origin: germline.
Comment: Algorithms developed to predict the effect of missense changes on protein structure and function (SIFT, PolyPhen-2, Align-GVGD) all suggest that this variant is likely to be tolerated. This variant has not been reported in the literature in individuals affected with PLAA-related conditions. This variant is present in population databases (rs780024541, gnomAD 0.004%). This sequence change replaces serine, which is neutral and polar, with glycine, which is neutral and non-polar, at codon 62 of the PLAA protein (p.Ser62Gly). In summary, the available evidence is currently insufficient to determine the role of this variant in disease. Therefore, it has been classified as a Variant of Uncertain Significance.